The following is an entry in ClinVar:

ClinVar aggregate classification (germline): Conflicting classifications of pathogenicity. Review status: criteria provided, conflicting classifications (1 of 4 stars). 4 submissions from 4 submitters: Uncertain significance (2); Likely benign (1). 1 of the submissions does not count toward it. Last evaluated 2025-05-16.

Conditions:
PKHD1-related disorder. Also called: PKHD1-related condition.
Polycystic kidney disease 4 (PKD4). Also called: POLYCYSTIC KIDNEY DISEASE 4 WITH OR WITHOUT POLYCYSTIC LIVER DISEASE; PKD3; POLYCYSTIC KIDNEY AND HEPATIC DISEASE 1; POLYCYSTIC KIDNEY DISEASE, INFANTILE, TYPE I; Autosomal Recessive Polycystic Kidney Disease – PKHD1. Identifiers: MedGen C4540575, MONDO:0033004, OMIM 263200.
Inborn genetic diseases. Identifiers: MedGen C0950123, MeSH D030342.

Allele frequency attached by ClinVar (database versions not stated): gnomAD exomes below 0.00001.
gnomAD v4.1: 3 of 1,600,036 alleles (0.00019%); highest among the groups gnomAD compares: East Asian, 0.0067%; no homozygotes.

Submissions (4):

Ambry Genetics
Classification: Likely benign for Inborn genetic diseases. Last evaluated: 2025-05-16. Review status: criteria provided, single submitter. Criteria: Ambry Variant Classification Scheme 2023. Collection method: clinical testing. Allele origin: germline.

Fulgent Genetics
Classification: Uncertain significance for Polycystic kidney disease 4. Last evaluated: 2021-07-21. Review status: criteria provided, single submitter. Criteria: ACMG Guidelines, 2015. Collection method: clinical testing. Allele origin: unknown.

Eurofins Ntd Llc (ga)
Classification: Uncertain significance. Last evaluated: 2018-03-29. Review status: criteria provided, single submitter. Criteria: EGL ClinVar v180209 classification definitions. Collection method: clinical testing. Allele origin: germline.

PreventionGenetics, part of Exact Sciences
Classification: Uncertain significance for PKHD1-related condition. Last evaluated: 2024-01-19. Review status: no assertion criteria provided. Collection method: clinical testing. Allele origin: germline. Not counted in ClinVar's aggregate classification.
Comment: The PKHD1 c.11378C>T variant is predicted to result in the amino acid substitution p.Ala3793Val. To our knowledge, this variant has not been reported in the literature. This variant is reported in 0.0054% of alleles in individuals of East Asian descent in gnomAD. At this time, the clinical significance of this variant is uncertain due to the absence of conclusive functional and genetic evidence.

NM_138694.4(PKHD1):c.11378C>T (p.Ala3793Val)

Gene: PKHD1 (PKHD1 ciliary IPT domain containing fibrocystin/polyductin; minus strand). Cytogenetic location: 6p12.3.
Variant type: single nucleotide variant.
Coding change: c.11378C>T on transcript NM_138694.4 (MANE Select); coding-DNA position 11378, C replaced by T.
Protein change: p.Ala3793Val; replaces alanine 3793 with valine.
Molecular consequence: missense variant.
Genome position (GRCh38, 1-based): chr6:51,648,051, G>A on the plus strand (C>T on the coding strand, the complement: PKHD1 is on the minus strand). VCF-style: chr6-51648051-G-A. GRCh37 (hg19) VCF-style: chr6-51512849-G-A.
Other names: c.11378C>T (NM_138694.3); short protein forms A3793V.
Identifiers: ClinVar variation 596650 (VCV000596650.9), dbSNP rs1299129734, ClinGen allele CA364425183.